The following is an entry in ClinVar:

NM_018275.5(TRAPPC14):c.252G>C (p.Ser84=)

Genes: TRAPPC14 (trafficking protein particle complex subunit 14; minus strand), LOC129998908 (ATAC-STARR-seq lymphoblastoid silent region 18421; plus strand). Cytogenetic location: 7q22.1.
Variant type: single nucleotide variant.
Coding change: c.252G>C on transcript NM_018275.5 (MANE Select); coding-DNA position 252, G replaced by C.
Protein change: p.Ser84=; no amino-acid change (serine 84 retained).
Molecular consequence: synonymous variant. On other transcripts: intron variant (1).
Genome position (GRCh38, 1-based): chr7:100,158,248, C>G on the plus strand (G>C on the coding strand, the complement: TRAPPC14 is on the minus strand). VCF-style: chr7-100158248-C-G. GRCh37 (hg19) VCF-style: chr7-99755871-C-G.
Other names: c.-396-310G>C (NM_001303470.2).
Identifiers: ClinVar variation 3056678 (VCV003056678.2), dbSNP rs755996232, ClinGen allele CA4377070.
Genomic context (GRCh38, chr7:100,158,248, plus strand): 5'-GGGCTCCGAATCCTGGTCGCCGGCGCCGCCGCCCCCCGGCATCCCGCCTCCGGCGCTGAC[C>G]GAGGCCAGGGCGGCCAGGGCGGTTGCCAGTTCTGCCCAGGCTCCTCTGGAGCCCAAGCCC-3'
Protein context (NP_060745.3, residues 74-94): ELATALAALA[Ser84=]VSAGGGMPGG

ClinVar aggregate classification (germline): Likely benign (0 of 4 stars; one submission).

Conditions:
TRAPPC14-related disorder. Also called: TRAPPC14-related condition.

Allele frequency attached by ClinVar (database versions not stated): gnomAD exomes 0.00027; 1000 Genomes Project 30x 0.00031; TOPMed 0.00043; ExAC 0.00156.

Submission:

PreventionGenetics, part of Exact Sciences
Classification: Likely benign for TRAPPC14-related condition. Last evaluated: 2020-06-05. Review status: no assertion criteria provided. Collection method: clinical testing. Allele origin: germline.
Comment: This variant is classified as likely benign based on ACMG/AMP sequence variant interpretation guidelines (Richards et al. 2015 PMID: 25741868, with internal and published modifications).